The following is an entry in ClinVar:

NM_006005.3(WFS1):c.929C>T (p.Ala310Val)

Gene: WFS1 (wolframin ER transmembrane glycoprotein; plus strand). Cytogenetic location: 4p16.1.
Variant type: single nucleotide variant.
Coding change: c.929C>T on transcript NM_006005.3 (MANE Select); coding-DNA position 929, C replaced by T.
Protein change: p.Ala310Val; replaces alanine 310 with valine.
Molecular consequence: missense variant.
Genome position (GRCh38, 1-based): chr4:6,300,724, C>T. VCF-style: chr4-6300724-C-T. GRCh37 (hg19) VCF-style: chr4-6302451-C-T.
Other names: c.929C>T, p.Ala310Val (NM_001145853.1); short protein forms A310V.
Identifiers: ClinVar variation 3029097 (VCV003029097.4), dbSNP rs375146413, ClinGen allele CA2839159.

ClinVar aggregate classification (germline): Uncertain significance. Review status: criteria provided, multiple submitters, no conflicts (2 of 4 stars). 3 submissions from 3 submitters: Uncertain significance (2). 1 of the submissions does not count toward it. Last evaluated 2025-08-24.

Conditions:
WFS1-related disorder. Identifiers: MedGen CN379391, MONDO:0700293.
Autosomal dominant nonsyndromic hearing loss 6 (LFSNHL). Also called: DEAFNESS, AUTOSOMAL DOMINANT 6; DEAFNESS, AUTOSOMAL DOMINANT 14; DEAFNESS, AUTOSOMAL DOMINANT 38; Autosomal dominant nonsyndromic deafness 6. Identifiers: Orphanet 90635, MedGen C1833021, MONDO:0010963, OMIM 600965.
Type 2 diabetes mellitus. Also called: Type II diabetes mellitus. Identifiers: MedGen C0011860, MeSH D003924, MONDO:0005148, OMIM 125853, HP:0005978.
Wolfram syndrome 1 (WFS1). Identifiers: Orphanet 3463, MedGen C4551693, MONDO:0009101, OMIM 222300.
Cataract 41 (CTRCT41). Also called: CATARACT 41, CONGENITAL NUCLEAR TYPE. Identifiers: Orphanet 91492, Orphanet 98991, Orphanet 98992, Orphanet 98995, MedGen C3805412, MONDO:0007287, OMIM 116400.
Wolfram-like syndrome. Also called: HEARING LOSS, PROGRESSIVE, WITH OPTIC ATROPHY AND/OR IMPAIRED GLUCOSE REGULATION. Identifiers: Orphanet 411590, MedGen C3280358, MONDO:0013673, OMIM 614296.

Allele frequency attached by ClinVar (database versions not stated): gnomAD exomes below 0.00001; gnomAD 0.00001; ExAC 0.00002; ESP Exome Variant Server 0.00008.
gnomAD v4.1: 8 of 1,613,952 alleles (0.0005%); highest among the groups gnomAD compares: African/African-American, 0.0027%; no homozygotes.

Submissions (3):

Labcorp Genetics (formerly Invitae), Labcorp
Classification: Uncertain significance. Last evaluated: 2025-08-24. Review status: criteria provided, single submitter. Criteria: Invitae Variant Classification Sherloc (09022015). Collection method: clinical testing. Allele origin: germline.
Comment: This sequence change replaces alanine, which is neutral and non-polar, with valine, which is neutral and non-polar, at codon 310 of the WFS1 protein (p.Ala310Val). This variant is present in population databases (rs375146413, gnomAD 0.006%). This variant has not been reported in the literature in individuals affected with WFS1-related conditions. ClinVar contains an entry for this variant (Variation ID: 3029097). Invitae Evidence Modeling of protein sequence and biophysical properties (such as structural, functional, and spatial information, amino acid conservation, physicochemical variation, residue mobility, and thermodynamic stability) indicates that this missense variant is not expected to disrupt WFS1 protein function with a negative predictive value of 95%. In summary, the available evidence is currently insufficient to determine the role of this variant in disease. Therefore, it has been classified as a Variant of Uncertain Significance.

Fulgent Genetics
Classification: Uncertain significance for Cataract 41; Type 2 diabetes mellitus; Wolfram syndrome 1; Autosomal dominant nonsyndromic hearing loss 6; Wolfram-like syndrome. Last evaluated: 2024-01-16. Review status: criteria provided, single submitter. Criteria: ACMG Guidelines, 2015. Collection method: clinical testing. Allele origin: germline.

PreventionGenetics, part of Exact Sciences
Classification: Uncertain significance for WFS1-related condition. Last evaluated: 2024-01-05. Review status: no assertion criteria provided. Collection method: clinical testing. Allele origin: germline. Not counted in ClinVar's aggregate classification.
Comment: The WFS1 c.929C>T variant is predicted to result in the amino acid substitution p.Ala310Val. To our knowledge, this variant has not been reported in the literature. This variant is reported in 0.0054% of alleles in individuals of East Asian descent in gnomAD. At this time, the clinical significance of this variant is uncertain due to the absence of conclusive functional and genetic evidence.